The following is an entry in ClinVar:

NM_002230.4(JUP):c.910-161C>T

Gene: JUP (junction plakoglobin; minus strand). Cytogenetic location: 17q21.2.
Variant type: single nucleotide variant.
Coding change: c.910-161C>T on transcript NM_002230.4 (MANE Select); 161 bases into the intron before coding-DNA position 910, C replaced by T.
Molecular consequence: intron variant.
Genome position (GRCh38, 1-based): chr17:41,765,228, G>A on the plus strand (C>T on the coding strand, the complement: JUP is on the minus strand). VCF-style: chr17-41765228-G-A. GRCh37 (hg19) VCF-style: chr17-39921480-G-A.
Other names: c.910-161C>T (NM_001352774.2, NM_021991.4, NM_001352776.2 and 3 more transcripts).
Identifiers: ClinVar variation 673817 (VCV000673817.1), dbSNP rs9911655, ClinGen allele CA290699392.

ClinVar aggregate classification (germline): Benign (1 of 4 stars; one submission).

Allele frequency attached by ClinVar (database versions not stated): gnomAD 0.03566 and 0.03823; TOPMed 0.03976; 1000 Genomes Project 0.04113; 1000 Genomes Project 30x 0.04403.
gnomAD v4.1: 5,374 of 152,138 alleles (3.5%); highest among the groups gnomAD compares: African/African-American, 12%; 297 homozygotes.

Submission:

GeneDx
Classification: Benign. Last evaluated: 2018-06-16. Review status: criteria provided, single submitter. Criteria: GeneDx Variant Classification (06012015). Collection method: clinical testing. Allele origin: germline. Affected: yes.
Comment: This variant is considered likely benign or benign based on one or more of the following criteria: it is a conservative change, it occurs at a poorly conserved position in the protein, it is predicted to be benign by multiple in silico algorithms, and/or has population frequency not consistent with disease.